The following is an entry in ClinVar:

NM_003047.5(SLC9A1):c.1051T>C (p.Ser351Pro)

Gene: SLC9A1 (solute carrier family 9 member A1; minus strand). Cytogenetic location: 1p36.11.
Variant type: single nucleotide variant.
Coding change: c.1051T>C on transcript NM_003047.5 (MANE Select); coding-DNA position 1051, T replaced by C.
Protein change: p.Ser351Pro; replaces serine 351 with proline.
Molecular consequence: missense variant. On other transcripts: non-coding transcript variant (1).
Genome position (GRCh38, 1-based): chr1:27,109,540, A>G on the plus strand (T>C on the coding strand, the complement: SLC9A1 is on the minus strand). VCF-style: chr1-27109540-A-G. GRCh37 (hg19) VCF-style: chr1-27436031-A-G.
Other names: short protein forms S351P.
Identifiers: ClinVar variation 2504768 (VCV002504768.1), dbSNP rs2523135996, ClinGen allele CA339187041.
Genomic context (GRCh38, chr1:27,109,540, plus strand): 5'-CCCGCCCCCACCCCGCCAAGCCCACTGCCTGCTGCACGCAGACTCACGCCATGATGCCTG[A>G]CAGGTGGAAGAGCTCGGCTGACAAGTAGGCCATGTAGCTGTAGAGGAAGACGAAGAGCGG-3'
Protein context (NP_003038.2, residues 341-361): AYLSAELFHL[Ser351Pro]GIMALIASGV

ClinVar aggregate classification (germline): Uncertain significance (1 of 4 stars; one submission).

Submission:

GeneDx
Classification: Uncertain significance. Last evaluated: 2022-12-07. Review status: criteria provided, single submitter. Criteria: GeneDx Variant Classification Process June 2021. Collection method: clinical testing. Allele origin: germline. Affected: yes.
Comment: Not observed at significant frequency in large population cohorts (gnomAD); In silico analysis supports that this missense variant has a deleterious effect on protein structure/function; Has not been previously published as pathogenic or benign to our knowledge